The following is an entry in ClinVar:

ClinVar aggregate classification (germline): Uncertain significance (1 of 4 stars; one submission).

Conditions:
Cholestanol storage disease (CTX). Also called: CEREBRAL CHOLESTERINOSIS; CTX: Cerebrotendinous xanthomatosis; Cerebrotendinous Xanthomatosis. Identifiers: Orphanet 909, MedGen C0238052, MONDO:0008948, OMIM 213700.

gnomAD v4.1: 2 of 1,608,844 alleles (0.00012%); highest among the groups gnomAD compares: East Asian, 0.0022%; no homozygotes.

Submission:

Labcorp Genetics (formerly Invitae), Labcorp
Classification: Uncertain significance for Cholestanol storage disease. Last evaluated: 2022-05-23. Review status: criteria provided, single submitter. Criteria: Invitae Variant Classification Sherloc (09022015). Collection method: clinical testing. Allele origin: germline.
Comment: This sequence change replaces threonine, which is neutral and polar, with lysine, which is basic and polar, at codon 339 of the CYP27A1 protein (p.Thr339Lys). This variant is not present in population databases (gnomAD no frequency). This variant has not been reported in the literature in individuals affected with CYP27A1-related conditions. Algorithms developed to predict the effect of missense changes on protein structure and function are either unavailable or do not agree on the potential impact of this missense change (SIFT: "Deleterious"; PolyPhen-2: "Probably Damaging"; Align-GVGD: "Class C0"). This variant disrupts the p.Thr339 amino acid residue in CYP27A1. Other variant(s) that disrupt this residue have been determined to be pathogenic (PMID: 8014582, 24627108, 26156051, 27858369). This suggests that this residue is clinically significant, and that variants that disrupt this residue are likely to be disease-causing. In summary, the available evidence is currently insufficient to determine the role of this variant in disease. Therefore, it has been classified as a Variant of Uncertain Significance.

Literature cited by the submitters: PubMed 8014582; PubMed 24627108; PubMed 26156051; PubMed 27858369.

NM_000784.4(CYP27A1):c.1016C>A (p.Thr339Lys)

Gene: CYP27A1 (cytochrome P450 family 27 subfamily A member 1; plus strand). Cytogenetic location: 2q35.
Variant type: single nucleotide variant.
Coding change: c.1016C>A on transcript NM_000784.4 (MANE Select); coding-DNA position 1016, C replaced by A.
Protein change: p.Thr339Lys; replaces threonine 339 with lysine.
Molecular consequence: missense variant.
Genome position (GRCh38, 1-based): chr2:218,813,095, C>A. VCF-style: chr2-218813095-C-A. GRCh37 (hg19) VCF-style: chr2-219677818-C-A.
Other names: short protein forms T339K.
Identifiers: ClinVar variation 1985457 (VCV001985457.4), dbSNP rs121908102, ClinGen allele CA350589165.